The following is an entry in ClinVar:

NM_021098.3(CACNA1H):c.3818C>T (p.Ala1273Val)

Gene: CACNA1H (calcium voltage-gated channel subunit alpha1 H; plus strand). Cytogenetic location: 16p13.3.
Variant type: single nucleotide variant.
Coding change: c.3818C>T on transcript NM_021098.3 (MANE Select); coding-DNA position 3818, C replaced by T.
Protein change: p.Ala1273Val; replaces alanine 1273 with valine.
Molecular consequence: missense variant.
Genome position (GRCh38, 1-based): chr16:1,210,108, C>T. VCF-style: chr16-1210108-C-T. GRCh37 (hg19) VCF-style: chr16-1260108-C-T.
Other names: c.3818C>T, p.Ala1273Val (NM_001005407.2); short protein forms A1273V.
Identifiers: ClinVar variation 1371133 (VCV001371133.7), dbSNP rs1969249888, ClinGen allele CA394175799.
Genomic context (GRCh38, chr16:1,210,108, plus strand): 5'-GCCTGCATAAAGTGCTGGAGCCCTACAAGCCCCAGTGGTGCCGGAGCCGCGAGGCCTGGG[C>T]CCTCTACCTCTTCTCCCCACAGAACCGGTGAGGCGGCCGGGTCAGGAGGCTGCATGGCTA-3'
Protein context (NP_066921.2, residues 1263-1283): PQWCRSREAW[Ala1273Val]LYLFSPQNRF

ClinVar aggregate classification (germline): Uncertain significance. Review status: criteria provided, multiple submitters, no conflicts (2 of 4 stars). 2 submissions from 2 submitters: Uncertain significance (2). Last evaluated 2024-10-14.

Conditions:
Idiopathic generalized epilepsy. Also called: Generalised epilepsy; EIG. Identifiers: MedGen C0270850, MONDO:0005579, OMIM 600669.
Hyperaldosteronism, familial, type IV (HALD4). Also called: ALDOSTERONISM, PRIMARY, AND HYPERTENSION; FH IV. Identifiers: Orphanet 642671, MedGen C4310756, MONDO:0014875, OMIM 617027.
Epilepsy, childhood absence, susceptibility to, 6. Identifiers: Orphanet 64280, MedGen C2749872, MONDO:0012763, OMIM 611942.

Allele frequency attached by ClinVar (database versions not stated): TOPMed below 0.00001.
gnomAD v4.1: 2 of 1,559,624 alleles (0.00013%); highest among the groups gnomAD compares: Non-Finnish European, 0.00017%; no homozygotes.

Submissions (2):

Labcorp Genetics (formerly Invitae), Labcorp
Classification: Uncertain significance for Idiopathic generalized epilepsy; Hyperaldosteronism, familial, type IV. Last evaluated: 2024-10-14. Review status: criteria provided, single submitter. Criteria: Invitae Variant Classification Sherloc (09022015). Collection method: clinical testing. Allele origin: germline.
Comment: This sequence change replaces alanine, which is neutral and non-polar, with valine, which is neutral and non-polar, at codon 1273 of the CACNA1H protein (p.Ala1273Val). This variant is not present in population databases (gnomAD no frequency). This variant has not been reported in the literature in individuals affected with CACNA1H-related conditions. ClinVar contains an entry for this variant (Variation ID: 1371133). Invitae Evidence Modeling of protein sequence and biophysical properties (such as structural, functional, and spatial information, amino acid conservation, physicochemical variation, residue mobility, and thermodynamic stability) indicates that this missense variant is not expected to disrupt CACNA1H protein function with a negative predictive value of 80%. In summary, the available evidence is currently insufficient to determine the role of this variant in disease. Therefore, it has been classified as a Variant of Uncertain Significance.

Fulgent Genetics
Classification: Uncertain significance for Epilepsy, childhood absence, susceptibility to, 6; Hyperaldosteronism, familial, type IV. Last evaluated: 2021-08-09. Review status: criteria provided, single submitter. Criteria: ACMG Guidelines, 2015. Collection method: clinical testing. Allele origin: unknown.